The following is an entry in ClinVar:

ClinVar aggregate classification (germline): Likely pathogenic. Review status: criteria provided, multiple submitters, no conflicts (2 of 4 stars). 2 submissions from 2 submitters: Likely pathogenic (2). Last evaluated 2024-02-28.

Conditions:
Autosomal recessive polycystic kidney disease (ARPKD). Also called: AR polycystic kidney disease. Identifiers: Orphanet 731, Orphanet 8378, MedGen C0085548, MeSH D017044, MONDO:0009889.

Submissions (2):

Natera, Inc.
Classification: Likely pathogenic for Autosomal recessive polycystic kidney disease. Last evaluated: 2024-02-28. Review status: criteria provided, single submitter. Criteria: Natera Variant Classification Schema (03/2026). Collection method: clinical testing. Allele origin: germline.
Comment: The c.3098-1G>A variant in PKHD1 is a canonical splice acceptor site variant predicted to affect pre-mRNA splicing, which may result in an abnormal transcript and altered protein product. This variant is expected to result in nonsense mediated decay, truncation, or a dysfunctional protein product. This variant is rare in the general population with a frequency below the threshold expected for the associated phenotype(s). Given the available evidence, this variant is classified as Likely Pathogenic.

Labcorp Genetics (formerly Invitae), Labcorp
Classification: Likely pathogenic for Autosomal recessive polycystic kidney disease. Last evaluated: 2021-02-01. Review status: criteria provided, single submitter. Criteria: Invitae Variant Classification Sherloc (09022015). Collection method: clinical testing. Allele origin: germline.
Comment: In summary, the currently available evidence indicates that the variant is pathogenic, but additional data are needed to prove that conclusively. Therefore, this variant has been classified as Likely Pathogenic. Algorithms developed to predict the effect of sequence changes on RNA splicing suggest that this variant may disrupt the consensus splice site, but this prediction has not been confirmed by published transcriptional studies. This variant has not been reported in the literature in individuals with PKHD1-related conditions. This variant is not present in population databases (ExAC no frequency). This sequence change affects an acceptor splice site in intron 27 of the PKHD1 gene. It is expected to disrupt RNA splicing. Variants that disrupt the donor or acceptor splice site typically lead to a loss of protein function (PMID: 16199547), and loss-of-function variants in PKHD1 are known to be pathogenic (PMID: 19940839).

Literature cited by the submitters: PubMed 16199547 (cited by Labcorp Genetics (formerly Invitae), Labcorp); PubMed 19940839 (cited by Labcorp Genetics (formerly Invitae), Labcorp).

NM_138694.4(PKHD1):c.3098-1G>A

Gene: PKHD1 (PKHD1 ciliary IPT domain containing fibrocystin/polyductin; minus strand). Cytogenetic location: 6p12.2.
Variant type: single nucleotide variant.
Coding change: c.3098-1G>A on transcript NM_138694.4 (MANE Select); the canonical splice acceptor site of the intron before coding-DNA position 3098, G replaced by A.
Molecular consequence: splice acceptor variant.
Genome position (GRCh38, 1-based): chr6:52,035,722, C>T on the plus strand (G>A on the coding strand, the complement: PKHD1 is on the minus strand). VCF-style: chr6-52035722-C-T. GRCh37 (hg19) VCF-style: chr6-51900520-C-T.
Other names: c.3098-1G>A (NM_170724.3, NM_138694.3).
Identifiers: ClinVar variation 1488800 (VCV001488800.9), dbSNP rs2128169165, ClinGen allele CA364441892.